The following is an entry in ClinVar:

ClinVar aggregate classification (germline): Uncertain significance (1 of 4 stars; one submission).

Conditions:
Inborn genetic diseases. Identifiers: MedGen C0950123, MeSH D030342.

Allele frequency attached by ClinVar (database versions not stated): gnomAD 0.00001.
gnomAD v4.1: 3 of 1,542,480 alleles (0.00019%); highest among the groups gnomAD compares: Non-Finnish European, 0.00017%; no homozygotes.

Submission:

Ambry Genetics
Classification: Uncertain significance for Inborn genetic diseases. Last evaluated: 2023-09-01. Review status: criteria provided, single submitter. Criteria: Ambry Variant Classification Scheme 2023. Collection method: clinical testing. Allele origin: germline.
Comment: The p.V314L variant (also known as c.940G>C), located in coding exon 10 of the ERCC2 gene, results from a G to C substitution at nucleotide position 940. The valine at codon 314 is replaced by leucine, an amino acid with highly similar properties. This amino acid position is conserved. In addition, this alteration is predicted to be tolerated by in silico analysis. Since supporting evidence is limited at this time, the clinical significance of this alteration remains unclear.

NM_000400.4(ERCC2):c.940G>C (p.Val314Leu)

Gene: ERCC2 (ERCC excision repair 2, TFIIH core complex helicase subunit; minus strand). Cytogenetic location: 19q13.32.
Variant type: single nucleotide variant.
Coding change: c.940G>C on transcript NM_000400.4 (MANE Select); coding-DNA position 940, G replaced by C.
Protein change: p.Val314Leu; replaces valine 314 with leucine.
Molecular consequence: missense variant.
Genome position (GRCh38, 1-based): chr19:45,363,995, C>G on the plus strand (G>C on the coding strand, the complement: ERCC2 is on the minus strand). VCF-style: chr19-45363995-C-G. GRCh37 (hg19) VCF-style: chr19-45867253-C-G.
Other names: c.868G>C, p.Val290Leu (NM_001130867.2); short protein forms V290L, V314L.
Identifiers: ClinVar variation 2602306 (VCV002602306.2), dbSNP rs1207164839, ClinGen allele CA406373284.